The following is an entry in ClinVar:

NM_001378120.1(MBD5):c.3925G>T (p.Val1309Phe)

Gene: MBD5 (methyl-CpG binding domain protein 5; plus strand). Cytogenetic location: 2q23.1.
Variant type: single nucleotide variant.
Coding change: c.3925G>T on transcript NM_001378120.1 (MANE Select); coding-DNA position 3925, G replaced by T.
Protein change: p.Val1309Phe; replaces valine 1309 with phenylalanine.
Molecular consequence: missense variant.
Genome position (GRCh38, 1-based): chr2:148,489,557, G>T. VCF-style: chr2-148489557-G-T. GRCh37 (hg19) VCF-style: chr2-149247126-G-T.
Other names: c.3226G>T, p.Val1076Phe (NM_018328.5); short protein forms V1309F, V1076F.
Identifiers: ClinVar variation 2711754 (VCV002711754.3), dbSNP rs973326943, ClinGen allele CA348725803.

ClinVar aggregate classification (germline): Uncertain significance (1 of 4 stars; one submission).

Conditions:
Intellectual developmental disorder, autosomal dominant 1. Also called: Intellectual disability, autosomal dominant 1; MBD5 Haploinsufficiency. Identifiers: Orphanet 228402, MedGen C1969562, MONDO:0007974, OMIM 156200.

gnomAD v4.1: 1 of 1,614,178 alleles (0.000062%); highest among the groups gnomAD compares: Non-Finnish European, 0.000085%; no homozygotes.

Submission:

Labcorp Genetics (formerly Invitae), Labcorp
Classification: Uncertain significance for Intellectual developmental disorder, autosomal dominant 1. Last evaluated: 2023-06-05. Review status: criteria provided, single submitter. Criteria: Invitae Variant Classification Sherloc (09022015). Collection method: clinical testing. Allele origin: germline.
Comment: This sequence change replaces valine, which is neutral and non-polar, with phenylalanine, which is neutral and non-polar, at codon 1076 of the MBD5 protein (p.Val1076Phe). Advanced modeling of protein sequence and biophysical properties (such as structural, functional, and spatial information, amino acid conservation, physicochemical variation, residue mobility, and thermodynamic stability) performed at Invitae indicates that this missense variant is not expected to disrupt MBD5 protein function. In summary, the available evidence is currently insufficient to determine the role of this variant in disease. Therefore, it has been classified as a Variant of Uncertain Significance. This variant has not been reported in the literature in individuals affected with MBD5-related conditions. This variant is present in population databases (no rsID available, gnomAD no frequency).